The following is an entry in ClinVar:

ClinVar aggregate classification (germline): Uncertain significance (1 of 4 stars; one submission).

Conditions:
Achondrogenesis, type IB (ACG1B). Also called: Achondrogenesis Type 1B. Identifiers: Orphanet 932, Orphanet 93298, MedGen C0265274, MONDO:0010966, OMIM 600972.
Multiple epiphyseal dysplasia type 4 (EDM4). Also called: SLC26A2-Related Multiple Epiphyseal Dysplasia; Multiple Epiphyseal Dysplasia, Recessive; MULTIPLE EPIPHYSEAL DYSPLASIA WITH BILAYERED PATELLAE; MULTIPLE EPIPHYSEAL DYSPLASIA WITH CLUBFOOT; MULTIPLE EPIPHYSEAL DYSPLASIA, AUTOSOMAL RECESSIVE. Identifiers: Orphanet 93307, MedGen C1847593, MONDO:0009189, OMIM 226900.
Atelosteogenesis type II (AO2). Also called: Neonatal osseous dysplasia 1; SLC26A2-Related Atelosteogenesis; NEONATAL OSSEOUS DYSPLASIA I. Identifiers: Orphanet 56304, MedGen C1850554, MONDO:0009727, OMIM 256050.
Diastrophic dysplasia (DTD). Also called: Diastrophic dwarfism. Identifiers: Orphanet 628, MedGen C0220726, MONDO:0009107, OMIM 222600.

Allele frequency attached by ClinVar (database versions not stated): TOPMed 0.00006; gnomAD exomes 0.00001; ExAC 0.00003; gnomAD 0.00003.
gnomAD v4.1: 19 of 1,611,412 alleles (0.0012%); highest among the groups gnomAD compares: African/African-American, 0.024%; no homozygotes.

Submission:

Labcorp Genetics (formerly Invitae), Labcorp
Classification: Uncertain significance for Atelosteogenesis type II; Multiple epiphyseal dysplasia type 4; Achondrogenesis, type IB; Diastrophic dysplasia. Last evaluated: 2022-11-01. Review status: criteria provided, single submitter. Criteria: Invitae Variant Classification Sherloc (09022015). Collection method: clinical testing. Allele origin: germline.
Comment: This sequence change replaces methionine, which is neutral and non-polar, with valine, which is neutral and non-polar, at codon 716 of the SLC26A2 protein (p.Met716Val). The frequency data for this variant in the population databases is considered unreliable, as metrics indicate poor data quality at this position in the gnomAD database. This variant has not been reported in the literature in individuals affected with SLC26A2-related conditions. Advanced modeling of protein sequence and biophysical properties (such as structural, functional, and spatial information, amino acid conservation, physicochemical variation, residue mobility, and thermodynamic stability) performed at Invitae indicates that this missense variant is not expected to disrupt SLC26A2 protein function. In summary, the available evidence is currently insufficient to determine the role of this variant in disease. Therefore, it has been classified as a Variant of Uncertain Significance.

NM_000112.4(SLC26A2):c.2146A>G (p.Met716Val)

Gene: SLC26A2 (solute carrier family 26 member 2; plus strand). Cytogenetic location: 5q32.
Variant type: single nucleotide variant.
Coding change: c.2146A>G on transcript NM_000112.4 (MANE Select); coding-DNA position 2146, A replaced by G.
Protein change: p.Met716Val; replaces methionine 716 with valine.
Molecular consequence: missense variant.
Genome position (GRCh38, 1-based): chr5:149,981,739, A>G. VCF-style: chr5-149981739-A-G. GRCh37 (hg19) VCF-style: chr5-149361302-A-G.
Other names: short protein forms M716V.
Identifiers: ClinVar variation 2140750 (VCV002140750.1), dbSNP rs752482028, ClinGen allele CA3505560.